The following is an entry in ClinVar:

ClinVar aggregate classification (germline): Uncertain significance (1 of 4 stars; one submission).

Conditions:
Arrhythmogenic right ventricular dysplasia 13. Also called: Arrhythmogenic right ventricular dysplasia, familial, 13; ARRHYTHMOGENIC RIGHT VENTRICULAR CARDIOMYOPATHY 13. Identifiers: MedGen C3810138, MONDO:0000908, OMIM 615616.

gnomAD v4.1: 1 of 1,605,102 alleles (0.000062%); highest among the groups gnomAD compares: Middle Eastern, 0.017%; no homozygotes.

Submission:

Labcorp Genetics (formerly Invitae), Labcorp
Classification: Uncertain significance for Arrhythmogenic right ventricular dysplasia 13. Last evaluated: 2025-10-17. Review status: criteria provided, single submitter. Criteria: Invitae Variant Classification Sherloc (09022015). Collection method: clinical testing. Allele origin: germline.
Comment: This sequence change creates a premature translational stop signal (p.Gln376*) in the CTNNA3 gene. It is expected to result in an absent or disrupted protein product. However, the current clinical and genetic evidence is not sufficient to establish whether loss-of-function variants in CTNNA3 cause disease. This variant is present in population databases (no rsID available, gnomAD no frequency). This premature translational stop signal has been observed in individual(s) with dilated cardiomyopathy (PMID: 37529955). ClinVar contains an entry for this variant (Variation ID: 3604801). In summary, the available evidence is currently insufficient to determine the role of this variant in disease. Therefore, it has been classified as a Variant of Uncertain Significance.

Literature cited by the submitters: PubMed 37529955.

NM_013266.4(CTNNA3):c.1126C>T (p.Gln376Ter)

Gene: CTNNA3 (catenin alpha 3; minus strand). Cytogenetic location: 10q21.3.
Variant type: single nucleotide variant.
Coding change: c.1126C>T on transcript NM_013266.4 (MANE Select); coding-DNA position 1126, C replaced by T.
Protein change: p.Gln376Ter; replaces glutamine 376 with a stop codon.
Molecular consequence: nonsense.
Genome position (GRCh38, 1-based): chr10:66,775,446, G>A on the plus strand (C>T on the coding strand, the complement: CTNNA3 is on the minus strand). VCF-style: chr10-66775446-G-A. GRCh37 (hg19) VCF-style: chr10-68535204-G-A.
Other names: c.1126C>T, p.Gln376Ter (NM_001127384.3); short protein forms Q376*.
Identifiers: ClinVar variation 3604801 (VCV003604801.2).